The following is an entry in ClinVar:

NM_006231.4(POLE):c.1686+1G>C

Gene: POLE (DNA polymerase epsilon, catalytic subunit; minus strand). Cytogenetic location: 12q24.33.
Variant type: single nucleotide variant.
Coding change: c.1686+1G>C on transcript NM_006231.4 (MANE Select); the canonical splice donor site of the intron after coding-DNA position 1686, G replaced by C.
Molecular consequence: splice donor variant.
Genome position (GRCh38, 1-based): chr12:132,672,626, C>G on the plus strand (G>C on the coding strand, the complement: POLE is on the minus strand). VCF-style: chr12-132672626-C-G. GRCh37 (hg19) VCF-style: chr12-133249212-C-G.
Other names: c.1686+1G>C (NM_006231.2).
Identifiers: ClinVar variation 473479 (VCV000473479.10), dbSNP rs1555228250, ClinGen allele CA387356438.

ClinVar aggregate classification (germline): Conflicting classifications of pathogenicity. Review status: criteria provided, conflicting classifications (1 of 4 stars). 2 submissions from 2 submitters: Likely pathogenic (1); Uncertain significance (1). Last evaluated 2026-08-21.

Conditions:
Hereditary cancer-predisposing syndrome. Also called: Neoplastic Syndromes, Hereditary; Hereditary neoplastic syndrome; Hereditary Cancer Syndrome; Tumor predisposition. Identifiers: Orphanet 140162, MedGen C0027672, MeSH D009386, MONDO:0015356.

Allele frequency attached by ClinVar (database versions not stated): gnomAD exomes below 0.00001.
gnomAD v4.1: 2 of 1,613,880 alleles (0.00012%); highest among the groups gnomAD compares: Non-Finnish European, 0.000085%; no homozygotes.

Submissions (2):

Ambry Genetics
Classification: Uncertain significance for Hereditary cancer-predisposing syndrome. Last evaluated: 2026-08-21. Review status: criteria provided, single submitter. Criteria: Ambry Variant Classification Scheme 2023. Collection method: clinical testing. Allele origin: germline.
Comment: The c.1686+1G>C intronic variant results from a G to C substitution one nucleotide after coding exon 15 of the POLE gene. This nucleotide position is highly conserved in available vertebrate species. In silico splice site analysis predicts that this alteration will weaken the native splice donor site. Alterations that disrupt the canonical splice site are expected to cause aberrant splicing, resulting in an abnormal protein or a transcript that is subject to nonsense-mediated mRNA decay. Although biallelic loss of function of POLE has been associated with autosomal recessive POLE deficiency, haploinsufficiency of POLE has not been established as a mechanism of disease for POLE-related polymerase proofreading-associated polyposis (PPAP) and POLE-related CMMRD-like syndrome. Based on the supporting evidence, this variant is expected to be causative of POLE deficiency when present along with a second pathogenic variant on the other allele; however, its clinical significance for PPAP and POLE-related CMMRD-like syndrome is unclear.

Labcorp Genetics (formerly Invitae), Labcorp
Classification: Likely pathogenic. Last evaluated: 2024-05-25. Review status: criteria provided, single submitter. Criteria: Invitae Variant Classification Sherloc (09022015). Collection method: clinical testing. Allele origin: germline.
Comment: This sequence change affects a donor splice site in intron 15 of the POLE gene. It is expected to disrupt RNA splicing. Variants that disrupt the donor or acceptor splice site typically lead to a loss of protein function (PMID: 16199547), and loss-of-function variants in POLE are known to be pathogenic (PMID: 23230001, 25948378, 30503519). This variant is not present in population databases (gnomAD no frequency). This variant has not been reported in the literature in individuals affected with POLE-related conditions. ClinVar contains an entry for this variant (Variation ID: 473479). Algorithms developed to predict the effect of sequence changes on RNA splicing suggest that this variant may disrupt the consensus splice site. In summary, the currently available evidence indicates that the variant is pathogenic, but additional data are needed to prove that conclusively. Therefore, this variant has been classified as Likely Pathogenic.

Literature cited by the submitters: PubMed 16199547 (cited by Labcorp Genetics (formerly Invitae), Labcorp); PubMed 23230001 (cited by Labcorp Genetics (formerly Invitae), Labcorp); PubMed 25948378 (cited by Labcorp Genetics (formerly Invitae), Labcorp); PubMed 30503519 (cited by Labcorp Genetics (formerly Invitae), Labcorp).